The following is an entry in ClinVar:

NM_001130438.3(SPTAN1):c.6343G>T (p.Ala2115Ser)

Gene: SPTAN1 (spectrin alpha, non-erythrocytic 1; plus strand). Cytogenetic location: 9q34.11.
Variant type: single nucleotide variant.
Coding change: c.6343G>T on transcript NM_001130438.3 (MANE Select); coding-DNA position 6343, G replaced by T.
Protein change: p.Ala2115Ser; replaces alanine 2115 with serine.
Molecular consequence: missense variant.
Genome position (GRCh38, 1-based): chr9:128,626,454, G>T. VCF-style: chr9-128626454-G-T. GRCh37 (hg19) VCF-style: chr9-131388733-G-T.
Other names: c.6268G>T, p.Ala2090Ser (NM_001195532.2); c.6343G>T, p.Ala2115Ser (NM_001363759.2); c.6283G>T, p.Ala2095Ser (NM_001363765.2); c.6328G>T, p.Ala2110Ser (NM_003127.4); short protein forms A2115S, A2090S, A2095S, A2110S.
Identifiers: ClinVar variation 386176 (VCV000386176.1), dbSNP rs1057522441, ClinGen allele CA16605620.
Genomic context (GRCh38, chr9:128,626,454, plus strand): 5'-GAGGACCTCTTCCTGACCTTCGCCAAAAAGGCTTCTGCCTTCAACAGCTGGTTTGAAAAT[G>T]CAGAGGAGGACTTAACAGACCCCGTGCGCTGCAACTCCTTGGAAGAAATCAAAGCTTTGC-3'
Protein context (NP_001123910.1, residues 2105-2125): ASAFNSWFEN[Ala2115Ser]EEDLTDPVRC

ClinVar aggregate classification (germline): Likely benign (1 of 4 stars; one submission).

Submission:

GeneDx
Classification: Likely benign. Last evaluated: 2016-07-08. Review status: criteria provided, single submitter. Criteria: GeneDx Variant Classification (06012015). Collection method: clinical testing. Allele origin: germline. Affected: yes.
Comment: This variant is considered likely benign or benign based on one or more of the following criteria: it is a conservative change, it occurs at a poorly conserved position in the protein, it is predicted to be benign by multiple in silico algorithms, and/or has population frequency not consistent with disease.